The following is an entry in ClinVar:

ClinVar aggregate classification (germline): Uncertain significance (1 of 4 stars; one submission).

Conditions:
Inborn genetic diseases. Identifiers: MedGen C0950123, MeSH D030342.

gnomAD v4.1: 1 of 1,601,674 alleles (0.000062%); highest among the groups gnomAD compares: Non-Finnish European, 0.000085%; no homozygotes.

Submission:

Ambry Genetics
Classification: Uncertain significance for Inborn genetic diseases. Last evaluated: 2025-07-28. Review status: criteria provided, single submitter. Criteria: Ambry Variant Classification Scheme 2023. Collection method: clinical testing. Allele origin: germline.
Comment: The p.M354T variant (also known as c.1061T>C), located in coding exon 1 of the CEBPA gene, results from a T to C substitution at nucleotide position 1061. The methionine at codon 354 is replaced by threonine, an amino acid with similar properties. This amino acid position is conserved. In addition, the in silico prediction for this alteration is inconclusive. Based on the available evidence, the clinical significance of this variant remains unclear.

NM_004364.5(CEBPA):c.1061T>C (p.Met354Thr)

Gene: CEBPA (CCAAT enhancer binding protein alpha; minus strand). Cytogenetic location: 19q13.11.
Variant type: single nucleotide variant.
Coding change: c.1061T>C on transcript NM_004364.5 (MANE Select); coding-DNA position 1061, T replaced by C.
Protein change: p.Met354Thr; replaces methionine 354 with threonine.
Molecular consequence: missense variant.
Genome position (GRCh38, 1-based): chr19:33,301,354, A>G on the plus strand (T>C on the coding strand, the complement: CEBPA is on the minus strand). VCF-style: chr19-33301354-A-G. GRCh37 (hg19) VCF-style: chr19-33792260-A-G.
Other names: c.704T>C, p.Met235Thr (NM_001285829.2); c.1166T>C, p.Met389Thr (NM_001287424.2); c.1019T>C, p.Met340Thr (NM_001287435.2); short protein forms M354T, M389T, M235T, M340T.
Identifiers: ClinVar variation 4225043 (VCV004225043.1).